The following is an entry in ClinVar:

NM_000268.4(NF2):c.815C>T (p.Thr272Ile)

Gene: NF2 (NF2, moesin-ezrin-radixin like (MERLIN) tumor suppressor; plus strand). Cytogenetic location: 22q12.2.
Variant type: single nucleotide variant.
Coding change: c.815C>T on transcript NM_000268.4 (MANE Select); coding-DNA position 815, C replaced by T.
Protein change: p.Thr272Ile; replaces threonine 272 with isoleucine.
Molecular consequence: missense variant. On other transcripts: non-coding transcript variant (1), intron variant (1).
Genome position (GRCh38, 1-based): chr22:29,664,994, C>T. VCF-style: chr22-29664994-C-T. GRCh37 (hg19) VCF-style: chr22-30060983-C-T.
Other names: c.815C>T, p.Thr272Ile (NM_016418.5, NM_181825.3, NM_181832.3); c.689C>T, p.Thr230Ile (NM_181828.3); c.692C>T, p.Thr231Ile (NM_181829.3); c.566C>T, p.Thr189Ile (NM_181830.3, NM_181831.3); c.447+22709C>T (NM_181833.3); short protein forms T272I, T231I, T189I, T230I.
Identifiers: ClinVar variation 485986 (VCV000485986.5), dbSNP rs1555997534, ClinGen allele CA411144535.

ClinVar aggregate classification (germline): Uncertain significance (1 of 4 stars; one submission).

Conditions:
Hereditary cancer-predisposing syndrome. Also called: Tumor predisposition; Hereditary Cancer Syndrome; Hereditary neoplastic syndrome; Neoplastic Syndromes, Hereditary. Identifiers: Orphanet 140162, MedGen C0027672, MeSH D009386, MONDO:0015356.

Submission:

Ambry Genetics
Classification: Uncertain significance for Hereditary cancer-predisposing syndrome. Last evaluated: 2017-05-05. Review status: criteria provided, single submitter. Criteria: Ambry Variant Classification Scheme 2023. Collection method: clinical testing. Allele origin: germline.
Comment: The p.T272I variant (also known as c.815C>T), located in coding exon 9 of the NF2 gene, results from a C to T substitution at nucleotide position 815. The threonine at codon 272 is replaced by isoleucine, an amino acid with similar properties. This amino acid position is highly conserved in available vertebrate species. In addition, this alteration is predicted to be deleterious by in silico analysis. Since supporting evidence is limited at this time, the clinical significance of this alteration remains unclear.